The following is an entry in ClinVar:

NM_018960.6(GNMT):c.779C>T (p.Ala260Val)

Genes: CNPY3-GNMT (CNPY3-GNMT readthrough; plus strand), GNMT (glycine N-methyltransferase; plus strand). Cytogenetic location: 6p21.1.
Variant type: single nucleotide variant.
Coding change: c.779C>T on transcript NM_018960.6 (MANE Select); coding-DNA position 779, C replaced by T.
Protein change: p.Ala260Val; replaces alanine 260 with valine.
Molecular consequence: missense variant. On other transcripts: non-coding transcript variant (4).
Genome position (GRCh38, 1-based): chr6:42,963,597, C>T. VCF-style: chr6-42963597-C-T. GRCh37 (hg19) VCF-style: chr6-42931335-C-T.
Other names: c.581C>T, p.Ala194Val (NM_001318856.2); c.596C>T, p.Ala199Val (NM_001318857.2); c.488C>T, p.Ala163Val (NM_001318858.2); c.722C>T, p.Ala241Val (NM_001318865.2); short protein forms A199V, A163V, A194V, A241V, A260V.
Identifiers: ClinVar variation 4761146 (VCV004761146.1).

ClinVar aggregate classification (germline): Uncertain significance (1 of 4 stars; one submission).

Submission:

Labcorp Genetics (formerly Invitae), Labcorp
Classification: Uncertain significance. Last evaluated: 2025-04-04. Review status: criteria provided, single submitter. Criteria: Invitae Variant Classification Sherloc (09022015). Collection method: clinical testing. Allele origin: germline.
Comment: This sequence change replaces alanine, which is neutral and non-polar, with valine, which is neutral and non-polar, at codon 260 of the GNMT protein (p.Ala260Val). This variant is not present in population databases (gnomAD no frequency). This variant has not been reported in the literature in individuals affected with GNMT-related conditions. Invitae Evidence Modeling of protein sequence and biophysical properties (such as structural, functional, and spatial information, amino acid conservation, physicochemical variation, residue mobility, and thermodynamic stability) indicates that this missense variant is not expected to disrupt GNMT protein function with a negative predictive value of 80%. In summary, the available evidence is currently insufficient to determine the role of this variant in disease. Therefore, it has been classified as a Variant of Uncertain Significance.